The following is an entry in ClinVar:

ClinVar aggregate classification (germline): Pathogenic/Likely pathogenic. Review status: criteria provided, multiple submitters, no conflicts (2 of 4 stars). 2 submissions from 2 submitters: Pathogenic (1); Likely pathogenic (1). Last evaluated 2024-03-27.

Conditions:
Cholestanol storage disease (CTX). Also called: CTX: Cerebrotendinous xanthomatosis; CEREBRAL CHOLESTERINOSIS; Cerebrotendinous Xanthomatosis. Identifiers: Orphanet 909, MedGen C0238052, MONDO:0008948, OMIM 213700.

Submissions (2):

Natera, Inc.
Classification: Likely pathogenic for Cerebrotendinous xanthomatosis. Last evaluated: 2024-03-27. Review status: criteria provided, single submitter. Criteria: Natera Variant Classification Schema (03/2026). Collection method: clinical testing. Allele origin: germline.
Comment: The c.1519delG variant in CYP27A1 is a frameshift variant predicted to shift the reading frame beginning at codon 507 and leads to a stop codon 2 codons downstream. This variant is expected to result in nonsense mediated decay, truncation, or a dysfunctional protein product. This variant is rare in the general population with a frequency below the threshold expected for the associated phenotype(s). Given the available evidence, this variant is classified as Likely Pathogenic.

Labcorp Genetics (formerly Invitae), Labcorp
Classification: Pathogenic for Cholestanol storage disease. Last evaluated: 2021-08-19. Review status: criteria provided, single submitter. Criteria: Invitae Variant Classification Sherloc (09022015). Collection method: clinical testing. Allele origin: germline.
Comment: For these reasons, this variant has been classified as Pathogenic. This variant disrupts a region of the CYP27A1 protein in which other variant(s) (p.Arg513Cys) have been determined to be pathogenic (PMID: 28623566, 31743419, 32714376; Invitae). This suggests that this is a clinically significant region of the protein, and that variants that disrupt it are likely to be disease-causing. This variant has not been reported in the literature in individuals affected with CYP27A1-related conditions. This variant is not present in population databases (ExAC no frequency). This sequence change creates a premature translational stop signal (p.Glu507Serfs*2) in the CYP27A1 gene. While this is not anticipated to result in nonsense mediated decay, it is expected to disrupt the last 25 amino acid(s) of the CYP27A1 protein.

Literature cited by the submitters: PubMed 28623566 (cited by Labcorp Genetics (formerly Invitae), Labcorp); PubMed 31743419 (cited by Labcorp Genetics (formerly Invitae), Labcorp); PubMed 32714376 (cited by Labcorp Genetics (formerly Invitae), Labcorp).

NM_000784.4(CYP27A1):c.1519del (p.Glu507fs)

Gene: CYP27A1 (cytochrome P450 family 27 subfamily A member 1; plus strand). Cytogenetic location: 2q35.
Variant type: Deletion.
Coding change: c.1519del on transcript NM_000784.4 (MANE Select); coding-DNA position 1519, one base deleted (G; older notation c.1519delG).
Protein change: p.Glu507fs; shifts the reading frame from glutamic acid 507.
Molecular consequence: frameshift variant.
Genome position (GRCh38, 1-based): chr2:218,814,953, G deleted; the last of 5 consecutive G bases (chr2:218,814,949-218,814,953); deleting any one gives the same sequence. VCF-style (leftmost placement, unchanged base first): chr2-218814948-CG-C. GRCh37 (hg19) VCF-style: chr2-219679671-CG-C.
Other names: c.1519delG (NM_000784.3); short protein forms E507fs.
Identifiers: ClinVar variation 1456676 (VCV001456676.7), dbSNP rs2105981467, ClinGen allele CA2573135330.